The following is an entry in ClinVar:

ClinVar aggregate classification (germline): Benign/Likely benign. Review status: criteria provided, multiple submitters, no conflicts (2 of 4 stars). 9 submissions from 9 submitters: Benign (1); Likely benign (8). Last evaluated 2026-04-20.

Conditions:
Cardiovascular phenotype. Identifiers: MedGen CN230736.
Catecholaminergic polymorphic ventricular tachycardia (CVPT). Also called: Catecholamine-induced polymorphic ventricular tachycardia. Identifiers: Orphanet 3286, MedGen C5574922, MONDO:0017990.
Cardiomyopathy (CMYO). Also called: Cardiomyopathies. Identifiers: Orphanet 167848, MedGen C0878544, MONDO:0004994, HP:0001638. Inheritance: Various modes of inheritance.
Catecholaminergic polymorphic ventricular tachycardia 1. Also called: RYR2-Related Catecholaminergic Polymorphic Ventricular Tachycardia; VENTRICULAR TACHYCARDIA, CATECHOLAMINERGIC POLYMORPHIC, 1, WITH OR WITHOUT ATRIAL DYSFUNCTION AND/OR DILATED CARDIOMYOPATHY; VENTRICULAR TACHYCARDIA, STRESS-INDUCED POLYMORPHIC 1. Identifiers: Orphanet 3286, MedGen C1631597, MONDO:0011484, OMIM 604772.

Allele frequency attached by ClinVar (database versions not stated): ESP Exome Variant Server 0.00008; TOPMed 0.00010; gnomAD 0.00016.
gnomAD v4.1: 78 of 1,613,596 alleles (0.0048%); highest among the groups gnomAD compares: Admixed American, 0.042%; no homozygotes.

Submissions (9):

Women's Health and Genetics/Laboratory Corporation of America, LabCorp
Classification: Benign. Last evaluated: 2026-04-20. Review status: criteria provided, single submitter. Criteria: LabCorp Variant Classification Summary - May 2015. Collection method: clinical testing. Allele origin: germline.

Labcorp Genetics (formerly Invitae), Labcorp
Classification: Likely benign for Catecholaminergic polymorphic ventricular tachycardia 1. Last evaluated: 2026-01-25. Review status: criteria provided, single submitter. Criteria: Invitae Variant Classification Sherloc (09022015). Collection method: clinical testing. Allele origin: germline.

CeGaT Center for Human Genetics Tuebingen
Classification: Likely benign. Last evaluated: 2025-08-01. Review status: criteria provided, single submitter. Criteria: CeGaT Center For Human Genetics Tuebingen Variant Classification Criteria Version 2. Collection method: clinical testing. Allele origin: germline. Affected: yes. Observed: 5 variant alleles.
Comment: RYR2: BP4, BP7

All of Us Research Program, National Institutes of Health
Classification: Likely benign for Catecholaminergic polymorphic ventricular tachycardia. Last evaluated: 2024-02-05. Review status: criteria provided, single submitter. Criteria: ACMG Guidelines, 2015. Collection method: clinical testing. Allele origin: germline. Inheritance: Autosomal dominant inheritance. Observed: 40 variant alleles, 40 heterozygotes.
Comment: This study involves interpretation of variants in research participants for the purpose of population health screening. Participant phenotype was not available at the time of variant classification. Additional details can be found in publication PMID: 35346344, PMCID: PMC8962531

Blueprint Genetics
Classification: Likely benign. Last evaluated: 2022-07-04. Review status: criteria provided, single submitter. Criteria: ACMG Guidelines, 2015. Collection method: clinical testing. Allele origin: germline.

Ambry Genetics
Classification: Likely benign for Cardiovascular phenotype. Last evaluated: 2019-05-30. Review status: criteria provided, single submitter. Criteria: Ambry Variant Classification Scheme 2023. Collection method: clinical testing. Allele origin: germline.

GeneDx
Classification: Likely benign. Last evaluated: 2019-03-12. Review status: criteria provided, single submitter. Criteria: GeneDx Variant Classification Process June 2021. Collection method: clinical testing. Allele origin: germline. Affected: yes.

Color Diagnostics, LLC DBA Color Health
Classification: Likely benign for Cardiomyopathy. Last evaluated: 2018-11-08. Review status: criteria provided, single submitter. Criteria: ACMG Guidelines, 2015. Collection method: clinical testing. Allele origin: germline.

Laboratory for Molecular Medicine, Mass General Brigham Personalized Medicine
Classification: Likely benign. Last evaluated: 2012-03-19. Review status: criteria provided, single submitter. Criteria: LMM Criteria. Collection method: clinical testing. Allele origin: germline. Observed: 1 variant allele.
Comment: p.Arg2359Arg in Exon 46 of RYR2: This variant is not expected to have clinical s ignificance because it does not alter an amino acid residue, is not located with in the splice consensus sequence. It has been identified in 1/6640 European Amer ican chromosomes from a broad population by the NHLBI Exome Sequencing Project.

NM_001035.3(RYR2):c.7075C>A (p.Arg2359=)

Gene: RYR2 (ryanodine receptor 2; plus strand). Cytogenetic location: 1q43.
Variant type: single nucleotide variant.
Coding change: c.7075C>A on transcript NM_001035.3 (MANE Select); coding-DNA position 7075, C replaced by A.
Protein change: p.Arg2359=; no amino-acid change (arginine 2359 retained).
Molecular consequence: synonymous variant.
Genome position (GRCh38, 1-based): chr1:237,639,161, C>A. VCF-style: chr1-237639161-C-A. GRCh37 (hg19) VCF-style: chr1-237802461-C-A.
Identifiers: ClinVar variation 165106 (VCV000165106.86), dbSNP rs200921429, ClinGen allele CA010511.